The following is an entry in ClinVar:

NM_001042545.2(LTBP4):c.4441T>C (p.Cys1481Arg)

Gene: LTBP4 (latent transforming growth factor beta binding protein 4; plus strand). Cytogenetic location: 19q13.2.
Variant type: single nucleotide variant.
Coding change: c.4441T>C on transcript NM_001042545.2 (MANE Select); coding-DNA position 4441, T replaced by C.
Protein change: p.Cys1481Arg; replaces cysteine 1481 with arginine.
Molecular consequence: missense variant.
Genome position (GRCh38, 1-based): chr19:40,627,779, T>C. VCF-style: chr19-40627779-T-C. GRCh37 (hg19) VCF-style: chr19-41133684-T-C.
Other names: c.4642T>C, p.Cys1548Arg (NM_001042544.1); c.4531T>C, p.Cys1511Arg (NM_003573.2); short protein forms C1481R, C1511R, C1548R.
Identifiers: ClinVar variation 228845 (VCV000228845.4), dbSNP rs876657866, ClinGen allele CA10577101.

ClinVar aggregate classification (germline): Uncertain significance (1 of 4 stars; one submission).

Submission:

Laboratory for Molecular Medicine, Mass General Brigham Personalized Medicine
Classification: Uncertain significance. Last evaluated: 2015-08-12. Review status: criteria provided, single submitter. Criteria: LMM Criteria. Collection method: clinical testing. Allele origin: germline. Observed: 1 variant allele.
Comment: The p.Cys1548Arg variant in LTBP4 has not been previously reported in individual s with pulmonary disease. Data from large population studies is insufficient to assess the frequency of this variant. Computational prediction tools and conserv ation analysis suggest that this variant may impact the protein, though this inf ormation is not predictive enough to determine pathogenicity. In summary, the cl inical significance of the p.Cys1548Arg variant is uncertain.